The following is an entry in ClinVar:

ClinVar aggregate classification (germline): Uncertain significance. Review status: criteria provided, multiple submitters, no conflicts (2 of 4 stars). 3 submissions from 3 submitters: Uncertain significance (3). Last evaluated 2024-09-04.

Conditions:
Neurofibromatosis, type 1 (NF1). Also called: Peripheral type neurofibromatosis; Neurofibromatosis, type I; VON RECKLINGHAUSEN DISEASE; NEUROFIBROMATOSIS, TYPE I, SOMATIC. Identifiers: Orphanet 636, MedGen C0027831, MONDO:0018975, OMIM 162200. Disease mechanism: loss of function.
Hereditary cancer-predisposing syndrome. Also called: Neoplastic Syndromes, Hereditary; Hereditary neoplastic syndrome; Tumor predisposition; Hereditary Cancer Syndrome. Identifiers: Orphanet 140162, MedGen C0027672, MeSH D009386, MONDO:0015356.
Cardiovascular phenotype. Identifiers: MedGen CN230736.

Submissions (3):

Ambry Genetics
Classification: Uncertain significance for Cardiovascular phenotype; Hereditary cancer-predisposing syndrome. Last evaluated: 2024-09-04. Review status: criteria provided, single submitter. Criteria: Ambry Variant Classification Scheme 2023. Collection method: clinical testing. Allele origin: germline.
Comment: The p.N994Y variant (also known as c.2980A>T), located in coding exon 22 of the NF1 gene, results from an A to T substitution at nucleotide position 2980. The asparagine at codon 994 is replaced by tyrosine, an amino acid with dissimilar properties. This amino acid position is highly conserved in available vertebrate species. In addition, the in silico prediction for this alteration is inconclusive. Based on the available evidence, the clinical significance of this variant remains unclear.

Labcorp Genetics (formerly Invitae), Labcorp
Classification: Uncertain significance for Neurofibromatosis, type 1. Last evaluated: 2024-02-24. Review status: criteria provided, single submitter. Criteria: Invitae Variant Classification Sherloc (09022015). Collection method: clinical testing. Allele origin: germline.
Comment: This sequence change replaces asparagine, which is neutral and polar, with tyrosine, which is neutral and polar, at codon 994 of the NF1 protein (p.Asn994Tyr). This variant is not present in population databases (gnomAD no frequency). This variant has not been reported in the literature in individuals affected with NF1-related conditions. ClinVar contains an entry for this variant (Variation ID: 838135). Advanced modeling of protein sequence and biophysical properties (such as structural, functional, and spatial information, amino acid conservation, physicochemical variation, residue mobility, and thermodynamic stability) has been performed at Invitae for this missense variant, however the output from this modeling did not meet the statistical confidence thresholds required to predict the impact of this variant on NF1 protein function. In summary, the available evidence is currently insufficient to determine the role of this variant in disease. Therefore, it has been classified as a Variant of Uncertain Significance.

GeneDx
Classification: Uncertain significance. Last evaluated: 2022-12-28. Review status: criteria provided, single submitter. Criteria: GeneDx Variant Classification Process June 2021. Collection method: clinical testing. Allele origin: germline. Affected: yes.
Comment: Not observed at significant frequency in large population cohorts (gnomAD); In silico analysis supports that this missense variant has a deleterious effect on protein structure/function; Has not been previously published as pathogenic or benign to our knowledge; This variant is associated with the following publications: (PMID: 25486365, 2121369)

NM_001042492.3(NF1):c.2980A>T (p.Asn994Tyr)

Gene: NF1 (neurofibromin 1; plus strand). Cytogenetic location: 17q11.2.
Variant type: single nucleotide variant.
Coding change: c.2980A>T on transcript NM_001042492.3 (MANE Select); coding-DNA position 2980, A replaced by T.
Protein change: p.Asn994Tyr; replaces asparagine 994 with tyrosine.
Molecular consequence: missense variant.
Genome position (GRCh38, 1-based): chr17:31,229,964, A>T. VCF-style: chr17-31229964-A-T. GRCh37 (hg19) VCF-style: chr17-29556982-A-T.
Other names: c.2980A>T, p.Asn994Tyr (NM_000267.4); short protein forms N994Y.
Identifiers: ClinVar variation 838135 (VCV000838135.8), dbSNP rs2067085170, ClinGen allele CA398986424.
Genomic context (GRCh38, chr17:31,229,964, plus strand): 5'-AATCATACTGAAGGCAGCTCTGAACATCTAGGGCAAGCTAGCATTGAAACAATGATGTTA[A>T]ATCTGGTCAGGTAAGCATTCTACTGAAATGTAGCAGAAACATTTTAAGAGATAAGAAAAA-3'
Protein context (NP_001035957.1, residues 984-1004): GQASIETMML[Asn994Tyr]LVRYVRVLGN